The following is an entry in ClinVar:

ClinVar aggregate classification (germline): Uncertain significance (1 of 4 stars; one submission).

Allele frequency attached by ClinVar (database versions not stated): gnomAD exomes below 0.00001.
gnomAD v4.1: 1 of 1,571,858 alleles (0.000064%); highest among the groups gnomAD compares: Admixed American, 0.0017%; no homozygotes.

Submission:

GeneDx
Classification: Uncertain significance. Last evaluated: 2025-03-28. Review status: criteria provided, single submitter. Criteria: GeneDx Variant Classification Process June 2021. Collection method: clinical testing. Allele origin: germline. Affected: yes.
Comment: Not observed at significant frequency in large population cohorts (gnomAD); In silico analysis supports that this missense variant has a deleterious effect on protein structure/function; Has not been previously published as pathogenic or benign to our knowledge

NM_014991.6(WDFY3):c.9549C>G (p.Asp3183Glu)

Gene: WDFY3 (WD repeat and FYVE domain containing 3; minus strand). Cytogenetic location: 4q21.23.
Variant type: single nucleotide variant.
Coding change: c.9549C>G on transcript NM_014991.6 (MANE Select); coding-DNA position 9549, C replaced by G.
Protein change: p.Asp3183Glu; replaces aspartic acid 3183 with glutamic acid.
Molecular consequence: missense variant.
Genome position (GRCh38, 1-based): chr4:84,684,120, G>C on the plus strand (C>G on the coding strand, the complement: WDFY3 is on the minus strand). VCF-style: chr4-84684120-G-C. GRCh37 (hg19) VCF-style: chr4-85605273-G-C.
Other names: short protein forms D3183E.
Identifiers: ClinVar variation 1683909 (VCV001683909.3), dbSNP rs1727892402, ClinGen allele CA357268120.